The following is an entry in ClinVar:

NM_001042492.3(NF1):c.1235del (p.Asn412fs)

Gene: NF1 (neurofibromin 1; plus strand). Cytogenetic location: 17q11.2.
Variant type: Deletion.
Coding change: c.1235del on transcript NM_001042492.3 (MANE Select); coding-DNA position 1235, one base deleted (A; older notation c.1235delA).
Protein change: p.Asn412fs; shifts the reading frame from asparagine 412.
Molecular consequence: frameshift variant.
Genome position (GRCh38, 1-based): chr17:31,201,460, A deleted; the last of 3 consecutive A bases (chr17:31,201,458-31,201,460); deleting any one gives the same sequence. VCF-style (leftmost placement, unchanged base first): chr17-31201457-TA-T. GRCh37 (hg19) VCF-style: chr17-29528475-TA-T.
Other names: c.1235delA, p.Asn412Ilefs (NM_000267.4); c.1235del, p.Asn412fs (NM_001128147.3); short protein forms N412fs.
Identifiers: ClinVar variation 1069547 (VCV001069547.5), dbSNP rs2143886422, ClinGen allele CA2499224025.

ClinVar aggregate classification (germline): Pathogenic (1 of 4 stars; one submission).

Conditions:
Neurofibromatosis, type 1 (NF1). Also called: VON RECKLINGHAUSEN DISEASE; Peripheral type neurofibromatosis; NEUROFIBROMATOSIS, TYPE I, SOMATIC; Neurofibromatosis, type I. Identifiers: Orphanet 636, MedGen C0027831, MONDO:0018975, OMIM 162200. Disease mechanism: loss of function.

Submission:

Labcorp Genetics (formerly Invitae), Labcorp
Classification: Pathogenic for Neurofibromatosis, type 1. Last evaluated: 2020-06-16. Review status: criteria provided, single submitter. Criteria: Invitae Variant Classification Sherloc (09022015). Collection method: clinical testing. Allele origin: germline.
Comment: This sequence change creates a premature translational stop signal (p.Asn412Ilefs*61) in the NF1 gene. It is expected to result in an absent or disrupted protein product. This variant is not present in population databases (ExAC no frequency). This variant has not been reported in the literature in individuals with NF1-related conditions. Loss-of-function variants in NF1 are known to be pathogenic (PMID: 10712197, 23913538). For these reasons, this variant has been classified as Pathogenic.

Literature cited by the submitters: PubMed 10712197; PubMed 23913538.